The following is an entry in ClinVar:

NM_000091.5(COL4A3):c.466A>T (p.Lys156Ter)

Genes: COL4A3 (collagen type IV alpha 3 chain; plus strand), MFF-DT (MFF divergent transcript; minus strand). Cytogenetic location: 2q36.3.
Variant type: single nucleotide variant.
Coding change: c.466A>T on transcript NM_000091.5 (MANE Select); coding-DNA position 466, A replaced by T.
Protein change: p.Lys156Ter; replaces lysine 156 with a stop codon.
Molecular consequence: nonsense.
Genome position (GRCh38, 1-based): chr2:227,247,582, A>T. VCF-style: chr2-227247582-A-T. GRCh37 (hg19) VCF-style: chr2-228112298-A-T.
Other names: short protein forms K156*.
Identifiers: ClinVar variation 2763228 (VCV002763228.3), dbSNP rs2469517772, ClinGen allele CA350863252.
Genomic context (GRCh38, chr2:227,247,582, plus strand): 5'-ATTCCTCTAGTTGTTCATAGGTTGCTTTTTTCCTAGGGTGCTGCTGGTTTGAAAGGACAA[A>T]AGGTAAGTCATTGGTGGAATGCTGTCACTGAAAATCTCTAACTGTACATATGAAAAGGAC-3'

ClinVar aggregate classification (germline): Pathogenic (1 of 4 stars; one submission).

Submission:

Labcorp Genetics (formerly Invitae), Labcorp
Classification: Pathogenic. Last evaluated: 2023-09-25. Review status: criteria provided, single submitter. Criteria: Invitae Variant Classification Sherloc (09022015). Collection method: clinical testing. Allele origin: germline.
Comment: This sequence change creates a premature translational stop signal (p.Lys156*) in the COL4A3 gene. It is expected to result in an absent or disrupted protein product. Loss-of-function variants in COL4A3 are known to be pathogenic (PMID: 8956999, 24854265, 26809805, 27281700). This variant has not been reported in the literature in individuals affected with COL4A3-related conditions. This variant is not present in population databases (gnomAD no frequency). For these reasons, this variant has been classified as Pathogenic.

Literature cited by the submitters: PubMed 8956999; PubMed 24854265; PubMed 26809805; PubMed 27281700.